The following is an entry in ClinVar:

NM_000138.5(FBN1):c.3284G>C (p.Cys1095Ser)

Gene: FBN1 (fibrillin 1; minus strand). Cytogenetic location: 15q21.1.
Variant type: single nucleotide variant.
Coding change: c.3284G>C on transcript NM_000138.5 (MANE Select); coding-DNA position 3284, G replaced by C.
Protein change: p.Cys1095Ser; replaces cysteine 1095 with serine.
Molecular consequence: missense variant.
Genome position (GRCh38, 1-based): chr15:48,488,166, C>G on the plus strand (G>C on the coding strand, the complement: FBN1 is on the minus strand). VCF-style: chr15-48488166-C-G. GRCh37 (hg19) VCF-style: chr15-48780363-C-G.
Other names: short protein forms C1095S.
Identifiers: ClinVar variation 684730 (VCV000684730.4), dbSNP rs1597563934, ClinGen allele CA392327265.

ClinVar aggregate classification (germline): Pathogenic (1 of 4 stars; one submission).

Conditions:
Marfan syndrome (MFS). Also called: MARFAN SYNDROME, TYPE I; FBN1-Related Marfan Syndrome; Marfan syndrome type 1; Marfan's syndrome; Marfan syndrome, classic. Identifiers: Orphanet 284963, Orphanet 558, MedGen C0024796, MONDO:0007947, OMIM 154700.

Submission:

Petrovsky National Research Centre of Surgery, The Federal Agency for Scientific Organizations
Classification: Pathogenic for Marfan syndrome. Last evaluated: 2019-08-01. Review status: criteria provided, single submitter. Criteria: ACMG Guidelines, 2015. Collection method: clinical testing. Allele origin: de novo. Inheritance: Autosomal dominant inheritance. Affected: yes. Observed: 1 heterozygote.
Comment: However same amino-acid change (p.C1095S) has been reported in the ClinVar at position c.3283T>A (rs1064793113, Variation ID:418194) with Likely Pathogenic classification. Online prediction tools such as NetGene2, Provean, SIFT, PolyPhen2 show damaging effect. The variant was confirmed de novo through family observation and examination for any hereditary diseases. Based on these evidences the c.3284G>C (p.C1095S) variant is classified as Pathogenic.